The following is an entry in ClinVar:

ClinVar aggregate classification (germline): Benign/Likely benign. Review status: criteria provided, multiple submitters, no conflicts (2 of 4 stars). 2 submissions from 2 submitters: Benign (1); Likely benign (1). Last evaluated 2025-11-16.

Conditions:
UBR1-related disorder. Also called: UBR1-related condition.

Allele frequency attached by ClinVar (database versions not stated): gnomAD exomes 0.00001; ExAC 0.00006; gnomAD 0.00011; ESP Exome Variant Server 0.00015; TOPMed 0.00015.
gnomAD v4.1: 36 of 1,610,656 alleles (0.0022%); highest among the groups gnomAD compares: African/African-American, 0.043%; no homozygotes.

Submissions (2):

Labcorp Genetics (formerly Invitae), Labcorp
Classification: Benign. Last evaluated: 2025-11-16. Review status: criteria provided, single submitter. Criteria: Invitae Variant Classification Sherloc (09022015). Collection method: clinical testing. Allele origin: germline.

PreventionGenetics, part of Exact Sciences
Classification: Likely benign for UBR1-related condition. Last evaluated: 2025-06-01. Review status: criteria provided, single submitter. Criteria: ACMG Guidelines, 2015. Collection method: clinical testing. Allele origin: germline.
Comment: This variant is classified as likely benign based on ACMG/AMP sequence variant interpretation guidelines (Richards et al. 2015 PMID: 25741868, with internal and published modifications).

NM_174916.3(UBR1):c.3894C>T (p.Ala1298=)

Gene: UBR1 (ubiquitin protein ligase E3 component n-recognin 1; minus strand). Cytogenetic location: 15q15.2.
Variant type: single nucleotide variant.
Coding change: c.3894C>T on transcript NM_174916.3 (MANE Select); coding-DNA position 3894, C replaced by T.
Protein change: p.Ala1298=; no amino-acid change (alanine 1298 retained).
Molecular consequence: synonymous variant.
Genome position (GRCh38, 1-based): chr15:42,988,922, G>A on the plus strand (C>T on the coding strand, the complement: UBR1 is on the minus strand). VCF-style: chr15-42988922-G-A. GRCh37 (hg19) VCF-style: chr15-43281120-G-A.
Other names: c.3894C>T (NM_174916.2).
Identifiers: ClinVar variation 2724614 (VCV002724614.4), dbSNP rs143517184, ClinGen allele CA7518058.